The following is an entry in ClinVar:

ClinVar aggregate classification (germline): Uncertain significance (0 of 4 stars; one submission).

Conditions:
PCNT-related disorder. Also called: PCNT-related condition.

gnomAD v4.1: 2 of 1,614,134 alleles (0.00012%); highest among the groups gnomAD compares: East Asian, 0.0045%; no homozygotes.

Submission:

PreventionGenetics, part of Exact Sciences
Classification: Uncertain significance for PCNT-related condition. Last evaluated: 2024-01-30. Review status: no assertion criteria provided. Collection method: clinical testing. Allele origin: germline.
Comment: The PCNT c.9162C>T variant is not predicted to result in an amino acid change (p.=). This variant is predicted to impact splicing via the creation of a cryptic splice acceptor site (Alamut Visual Plus v1.6.1; SpliceAI, Jaganathan K, et al. 2019. PubMed ID: 30661751). To our knowledge, this variant has not been reported in the literature. This variant is reported in 0.011% of alleles in individuals of East Asian descent in gnomAD. At this time, the clinical significance of this variant is uncertain due to the absence of conclusive functional and genetic evidence.

NM_006031.6(PCNT):c.9162C>T (p.Ser3054=)

Gene: PCNT (pericentrin; plus strand). Cytogenetic location: 21q22.3.
Variant type: single nucleotide variant.
Coding change: c.9162C>T on transcript NM_006031.6 (MANE Select); coding-DNA position 9162, C replaced by T.
Protein change: p.Ser3054=; no amino-acid change (serine 3054 retained).
Molecular consequence: synonymous variant.
Genome position (GRCh38, 1-based): chr21:46,438,226, C>T. VCF-style: chr21-46438226-C-T. GRCh37 (hg19) VCF-style: chr21-47858139-C-T.
Other names: c.8571C>T, p.Ser2857= (NM_001315529.2).
Identifiers: ClinVar variation 3349697 (VCV003349697.1).